The following is an entry in ClinVar:

NM_000642.3(AGL):c.2033C>G (p.Thr678Ser)

Gene: AGL (amylo-alpha-1,6-glucosidase and 4-alpha-glucanotransferase; plus strand). Cytogenetic location: 1p21.2.
Variant type: single nucleotide variant.
Coding change: c.2033C>G on transcript NM_000642.3 (MANE Select); coding-DNA position 2033, C replaced by G.
Protein change: p.Thr678Ser; replaces threonine 678 with serine.
Molecular consequence: missense variant.
Genome position (GRCh38, 1-based): chr1:99,881,323, C>G. VCF-style: chr1-99881323-C-G. GRCh37 (hg19) VCF-style: chr1-100346879-C-G.
Other names: c.2033C>G, p.Thr678Ser (NM_000028.3, NM_000643.3, NM_000644.3 and 2 more transcripts); c.1985C>G, p.Thr662Ser (NM_000646.3); c.1832C>G, p.Thr611Ser (NM_001425327.1); c.1829C>G, p.Thr610Ser (NM_001425328.1, NM_001425329.1); c.1655C>G, p.Thr552Ser (NM_001425332.1); short protein forms T662S, T678S, T552S, T610S, T611S.
Identifiers: ClinVar variation 1415151 (VCV001415151.5), dbSNP rs1198908336, ClinGen allele CA341318654.

ClinVar aggregate classification (germline): Uncertain significance (1 of 4 stars; one submission).

Conditions:
Glycogen storage disease type III (GSD3). Also called: Cori disease; FORBES DISEASE. Identifiers: Orphanet 366, MedGen C0017922, MONDO:0009291, OMIM 232400.

Allele frequency attached by ClinVar (database versions not stated): gnomAD exomes below 0.00001.
gnomAD v4.1: 3 of 1,613,946 alleles (0.00019%); highest among the groups gnomAD compares: African/African-American, 0.004%; no homozygotes.

Submission:

Labcorp Genetics (formerly Invitae), Labcorp
Classification: Uncertain significance for Glycogen storage disease type III. Last evaluated: 2021-09-01. Review status: criteria provided, single submitter. Criteria: Invitae Variant Classification Sherloc (09022015). Collection method: clinical testing. Allele origin: germline.
Comment: This sequence change replaces threonine with serine at codon 678 of the AGL protein (p.Thr678Ser). The threonine residue is weakly conserved and there is a small physicochemical difference between threonine and serine. This variant is not present in population databases (ExAC no frequency). This variant has not been reported in the literature in individuals affected with AGL-related conditions. Algorithms developed to predict the effect of missense changes on protein structure and function (SIFT, PolyPhen-2, Align-GVGD) all suggest that this variant is likely to be tolerated. Algorithms developed to predict the effect of sequence changes on RNA splicing suggest that this variant may create or strengthen a splice site. In summary, the available evidence is currently insufficient to determine the role of this variant in disease. Therefore, it has been classified as a Variant of Uncertain Significance.